The following is an entry in ClinVar:

ClinVar aggregate classification (germline): Benign/Likely benign. Review status: criteria provided, multiple submitters, no conflicts (2 of 4 stars). 3 submissions from 3 submitters: Benign (2); Likely benign (1). Last evaluated 2024-02-01.

Allele frequency attached by ClinVar (database versions not stated): 1000 Genomes Project 30x 0.00156; 1000 Genomes Project 0.00160; TOPMed 0.00445; ExAC 0.00464; gnomAD exomes 0.00491 and 0.00789; gnomAD 0.00514 and 0.00531; ESP Exome Variant Server 0.00703.
gnomAD v4.1: 12,276 of 1,612,300 alleles (0.76%); highest among the groups gnomAD compares: Non-Finnish European, 0.93%; 67 homozygotes.

Submissions (3):

CeGaT Center for Human Genetics Tuebingen
Classification: Likely benign. Last evaluated: 2024-02-01. Review status: criteria provided, single submitter. Criteria: CeGaT Center For Human Genetics Tuebingen Variant Classification Criteria Version 2. Collection method: clinical testing. Allele origin: germline. Affected: yes. Observed: 2 variant alleles.
Comment: NBEAL1: BP4, BS2

Labcorp Genetics (formerly Invitae), Labcorp
Classification: Benign. Last evaluated: 2019-12-31. Review status: criteria provided, single submitter. Criteria: Invitae Variant Classification Sherloc (09022015). Collection method: clinical testing. Allele origin: germline.

Breakthrough Genomics
Classification: Benign. Review status: criteria provided, single submitter. Criteria: ACMG Guidelines, 2015. Collection method: not provided. Allele origin: germline. Inheritance: Unknown mechanism. Affected: yes.

NM_001378026.1(NBEAL1):c.6961C>G (p.Gln2321Glu)

Gene: NBEAL1 (neurobeachin like 1; plus strand). Cytogenetic location: 2q33.2.
Variant type: single nucleotide variant.
Coding change: c.6961C>G on transcript NM_001378026.1 (MANE Select); coding-DNA position 6961, C replaced by G.
Protein change: p.Gln2321Glu; replaces glutamine 2321 with glutamic acid.
Molecular consequence: missense variant.
Genome position (GRCh38, 1-based): chr2:203,193,834, C>G. VCF-style: chr2-203193834-C-G. GRCh37 (hg19) VCF-style: chr2-204058557-C-G.
Other names: c.6874C>G, p.Gln2292Glu (NM_001114132.2); short protein forms Q2292E, Q2321E.
Identifiers: ClinVar variation 714943 (VCV000714943.29), dbSNP rs114408639, ClinGen allele CA2064597.